The following is an entry in ClinVar:

NM_001252024.2(TRPM1):c.1706G>A (p.Cys569Tyr)

Gene: TRPM1 (transient receptor potential cation channel subfamily M member 1; minus strand). Cytogenetic location: 15q13.3.
Variant type: single nucleotide variant.
Coding change: c.1706G>A on transcript NM_001252024.2 (MANE Select); coding-DNA position 1706, G replaced by A.
Protein change: p.Cys569Tyr; replaces cysteine 569 with tyrosine.
Molecular consequence: missense variant.
Genome position (GRCh38, 1-based): chr15:31,047,169, C>T on the plus strand (G>A on the coding strand, the complement: TRPM1 is on the minus strand). VCF-style: chr15-31047169-C-T. GRCh37 (hg19) VCF-style: chr15-31339372-C-T.
Other names: c.1757G>A, p.Cys586Tyr (NM_001252020.2); c.1640G>A, p.Cys547Tyr (NM_002420.6); short protein forms C547Y, C586Y, C569Y.
Identifiers: ClinVar variation 2101178 (VCV002101178.4), dbSNP rs767802403, ClinGen allele CA7452463.

ClinVar aggregate classification (germline): Uncertain significance (1 of 4 stars; one submission).

Allele frequency attached by ClinVar (database versions not stated): ExAC 0.00001; gnomAD exomes 0.00001.
gnomAD v4.1: 5 of 1,614,228 alleles (0.00031%); highest among the groups gnomAD compares: Admixed American, 0.0083%; no homozygotes.

Submission:

Labcorp Genetics (formerly Invitae), Labcorp
Classification: Uncertain significance. Last evaluated: 2022-05-29. Review status: criteria provided, single submitter. Criteria: Invitae Variant Classification Sherloc (09022015). Collection method: clinical testing. Allele origin: germline.
Comment: This variant is present in population databases (rs767802403, gnomAD 0.009%). This variant has not been reported in the literature in individuals affected with TRPM1-related conditions. This sequence change replaces cysteine, which is neutral and slightly polar, with tyrosine, which is neutral and polar, at codon 547 of the TRPM1 protein (p.Cys547Tyr). Algorithms developed to predict the effect of missense changes on protein structure and function are either unavailable or do not agree on the potential impact of this missense change (SIFT: "Deleterious"; PolyPhen-2: "Probably Damaging"; Align-GVGD: "Class C0"). In summary, the available evidence is currently insufficient to determine the role of this variant in disease. Therefore, it has been classified as a Variant of Uncertain Significance.